The following is an entry in ClinVar:

NM_000143.4(FH):c.1522G>T (p.Gly508Cys)

Gene: FH (fumarate hydratase; minus strand). Cytogenetic location: 1q43.
Variant type: single nucleotide variant.
Coding change: c.1522G>T on transcript NM_000143.4 (MANE Select); coding-DNA position 1522, G replaced by T.
Protein change: p.Gly508Cys; replaces glycine 508 with cysteine.
Molecular consequence: missense variant.
Genome position (GRCh38, 1-based): chr1:241,497,839, C>A on the plus strand (G>T on the coding strand, the complement: FH is on the minus strand). VCF-style: chr1-241497839-C-A. GRCh37 (hg19) VCF-style: chr1-241661139-C-A.
Other names: c.1522G>T (NM_000143.3); short protein forms G508C.
Identifiers: ClinVar variation 1502257 (VCV001502257.9), dbSNP rs1659661545, ClinGen allele CA345449990.

ClinVar aggregate classification (germline): Uncertain significance. Review status: criteria provided, multiple submitters, no conflicts (2 of 4 stars). 2 submissions from 2 submitters: Uncertain significance (2). Last evaluated 2025-03-05.

Conditions:
Hereditary cancer-predisposing syndrome. Also called: Hereditary neoplastic syndrome; Tumor predisposition; Neoplastic Syndromes, Hereditary; Hereditary Cancer Syndrome. Identifiers: Orphanet 140162, MedGen C0027672, MeSH D009386, MONDO:0015356.

Submissions (2):

Ambry Genetics
Classification: Uncertain significance for Hereditary cancer-predisposing syndrome. Last evaluated: 2025-03-05. Review status: criteria provided, single submitter. Criteria: Ambry Variant Classification Scheme 2023. Collection method: clinical testing. Allele origin: germline.
Comment: The p.G508C variant (also known as c.1522G>T), located in coding exon 10 of the FH gene, results from a G to T substitution at nucleotide position 1522. The glycine at codon 508 is replaced by cysteine, an amino acid with highly dissimilar properties. This amino acid position is conserved. In addition, this alteration is predicted to be deleterious by in silico analysis. Based on the available evidence, the clinical significance of this variant remains unclear.

Labcorp Genetics (formerly Invitae), Labcorp
Classification: Uncertain significance. Last evaluated: 2021-06-29. Review status: criteria provided, single submitter. Criteria: Invitae Variant Classification Sherloc (09022015). Collection method: clinical testing. Allele origin: germline.
Comment: This sequence change replaces glycine with cysteine at codon 508 of the FH protein (p.Gly508Cys). The glycine residue is highly conserved and there is a large physicochemical difference between glycine and cysteine. This variant is not present in population databases (ExAC no frequency). This variant has not been reported in the literature in individuals affected with FH-related conditions. Advanced modeling of protein sequence and biophysical properties (such as structural, functional, and spatial information, amino acid conservation, physicochemical variation, residue mobility, and thermodynamic stability) performed at Invitae indicates that this missense variant is expected to disrupt FH protein function. In summary, the available evidence is currently insufficient to determine the role of this variant in disease. Therefore, it has been classified as a Variant of Uncertain Significance.